The following is an entry in ClinVar:

ClinVar aggregate classification (germline): Benign. Review status: criteria provided, multiple submitters, no conflicts (2 of 4 stars). 2 submissions from 2 submitters: Benign (2). Last evaluated 2026-02-04.

Conditions:
Immunodeficiency 39 (IMD39). Identifiers: Orphanet 574918, MedGen C4225358, MONDO:0014597, OMIM 616345.

Submissions (2):

Labcorp Genetics (formerly Invitae), Labcorp
Classification: Benign for Immunodeficiency 39. Last evaluated: 2026-02-04. Review status: criteria provided, single submitter. Criteria: Invitae Variant Classification Sherloc (09022015). Collection method: clinical testing. Allele origin: germline.

Unidad de Genómica Garrahan, Hospital de Pediatría Garrahan
Classification: Benign. Last evaluated: 2024-01-24. Review status: criteria provided, single submitter. Criteria: ACMG Guidelines, 2015. Collection method: clinical testing. Allele origin: germline. Affected: no. Observed: 56 variant alleles.
Comment: This variant is classified as Benign based on local population frequency. This variant was detected in 59% of patients studied by a panel of primary immunodeficiencies. Number of patients: 56. Only high quality variants are reported.

NM_001572.5(IRF7):c.184-4_184-3delinsAA

Gene: IRF7 (interferon regulatory factor 7; minus strand). Cytogenetic location: 11p15.5.
Variant type: Indel.
Coding change: c.184-4_184-3delinsAA on transcript NM_001572.5 (MANE Select); 4 bases into the intron before coding-DNA position 184 through 3 bases into the intron before coding-DNA position 184, TC replaced by AA.
Molecular consequence: intron variant.
Genome position (GRCh38, 1-based): chr11:615,010-615,011, GA replaced by TT on the plus strand (TC replaced by AA on the coding strand, the reverse complement: IRF7 is on the minus strand). VCF-style: chr11-615010-GA-TT. GRCh37 (hg19) VCF-style: chr11-615010-GA-TT.
Other names: c.184-4_184-3delinsAA (NM_004029.4, LRG_1313t1); c.223-4_223-3delinsAA (NM_004031.4, NM_004031.2).
Identifiers: ClinVar variation 476072 (VCV000476072.14), dbSNP rs386749598, ClinGen allele CA216913259.
Genomic context (GRCh38, chr11:615,010, plus strand): 5'-GGGGCGGGCCACCTCCCCTGCTGCTAGGCGGCCACCTGCCGCGGGCCACAGCCCAGGCCT[GA>TT]AGAGGGGGACAGAACACGTGTGCCGGGCCCGCGGGGTCCTAGGCGGGCTCTCCCACCCGG-3'